The following is an entry in ClinVar:

NM_004168.4(SDHA):c.890_891delinsTC (p.Pro297Leu)

Gene: SDHA (succinate dehydrogenase complex flavoprotein subunit A; plus strand). Cytogenetic location: 5p15.33.
Variant type: Indel.
Coding change: c.890_891delinsTC on transcript NM_004168.4 (MANE Select); coding-DNA positions 890 to 891, CT replaced by TC.
Protein change: p.Pro297Leu; replaces proline 297 with leucine.
Molecular consequence: missense variant.
Genome position (GRCh38, 1-based): chr5:230,995-230,996, CT replaced by TC. VCF-style: chr5-230995-CT-TC. GRCh37 (hg19) VCF-style: chr5-231110-CT-TC.
Other names: c.746_747delinsTC, p.Pro249Leu (NM_001294332.2); c.890_891delinsTC, p.Pro297Leu (NM_001330758.2); short protein forms P249L, P297L.
Identifiers: ClinVar variation 822808 (VCV000822808.12), dbSNP rs1579397592, ClinGen allele CA915943262.
Genomic context (GRCh38, chr5:230,995, plus strand): 5'-CGGCCATGATCACCAGGGCAGGCCTTCCTTGCCAGGACCTAGAGTTTGTTCAGTTCCACC[CT>TC]ACAGGTAGGGCAGGACGCCTTGCCCGGCAGGTGTTTGGCTTGTGTGTGTCTTGTAAGCAT-3'
Protein context (NP_004159.2, residues 287-307): CQDLEFVQFH[Pro297Leu]TGIYGAGCLI

ClinVar aggregate classification (germline): Uncertain significance. Review status: criteria provided, multiple submitters, no conflicts (2 of 4 stars). 2 submissions from 2 submitters: Uncertain significance (2). Last evaluated 2024-08-08.

Conditions:
Hereditary cancer-predisposing syndrome. Also called: Tumor predisposition; Hereditary neoplastic syndrome; Neoplastic Syndromes, Hereditary; Hereditary Cancer Syndrome. Identifiers: Orphanet 140162, MedGen C0027672, MeSH D009386, MONDO:0015356.
Pheochromocytoma/paraganglioma syndrome 5. Also called: Paragangliomas 5; SDHA-Related Hereditary Paraganglioma-Pheochromocytoma Syndrome. Identifiers: Orphanet 29072, MedGen C3279992, MONDO:0013602, OMIM 614165.
Mitochondrial complex II deficiency, nuclear type 1. Also called: SUCCINATE CoQ REDUCTASE DEFICIENCY. Identifiers: Orphanet 3208, MedGen C5700310, MONDO:0100294, OMIM 252011.

Submissions (2):

Labcorp Genetics (formerly Invitae), Labcorp
Classification: Uncertain significance for Pheochromocytoma/paraganglioma syndrome 5; Mitochondrial complex II deficiency, nuclear type 1. Last evaluated: 2024-08-08. Review status: criteria provided, single submitter. Criteria: Invitae Variant Classification Sherloc (09022015). Collection method: clinical testing. Allele origin: germline.
Comment: This sequence change replaces proline, which is neutral and non-polar, with leucine, which is neutral and non-polar, at codon 297 of the SDHA protein (p.Pro297Leu). Information on the frequency of this variant in the gnomAD database is not available, as this variant may be reported differently in the database. This variant has not been reported in the literature in individuals affected with SDHA-related conditions. ClinVar contains an entry for this variant (Variation ID: 822808). An algorithm developed to predict the effect of missense changes on protein structure and function (PolyPhen-2) suggests that this variant is likely to be disruptive. In summary, the available evidence is currently insufficient to determine the role of this variant in disease. Therefore, it has been classified as a Variant of Uncertain Significance.

Ambry Genetics
Classification: Uncertain significance for Hereditary cancer-predisposing syndrome. Last evaluated: 2023-11-30. Review status: criteria provided, single submitter. Criteria: Ambry Variant Classification Scheme 2023. Collection method: clinical testing. Allele origin: germline.
Comment: The c.890_891delCTinsTC variant, located in coding exon 7 of the SDHA gene, results from an in-frame deletion of CT and insertion of TC at nucleotide positions 890 to 891. This results in the substitution of the proline residue for a leucine residue at codon 297, an amino acid with similar properties. This amino acid position is highly conserved in available vertebrate species. In addition, this alteration is predicted to be deleterious by in silico analysis (Choi Y et al. PLoS ONE. 2012; 7(10):e46688). Since supporting evidence is limited at this time, the clinical significance of this alteration remains unclear.